The following is an entry in ClinVar:

ClinVar aggregate classification (germline): Uncertain significance. Review status: criteria provided, multiple submitters, no conflicts (2 of 4 stars). 4 submissions from 4 submitters: Uncertain significance (3). 1 of the submissions does not count toward it. Last evaluated 2025-06-03.

Conditions:
Usher syndrome type 1B (USH1B). Also called: Usher syndrome type IB. Identifiers: MedGen C1848638, MONDO:0700087.

Allele frequency attached by ClinVar (database versions not stated): gnomAD exomes below 0.00001; gnomAD 0.00001; TOPMed 0.00002.
gnomAD v4.1: 31 of 1,610,498 alleles (0.0019%); highest among the groups gnomAD compares: African/African-American, 0.0027%; no homozygotes.

Submissions (4):

Labcorp Genetics (formerly Invitae), Labcorp
Classification: Uncertain significance. Last evaluated: 2025-06-03. Review status: criteria provided, single submitter. Criteria: Invitae Variant Classification Sherloc (09022015). Collection method: clinical testing. Allele origin: germline.
Comment: This sequence change replaces valine, which is neutral and non-polar, with methionine, which is neutral and non-polar, at codon 1918 of the MYO7A protein (p.Val1918Met). The frequency data for this variant in the population databases is considered unreliable, as metrics indicate poor data quality at this position in the gnomAD database. This missense change has been observed in individual(s) with deafness (PMID: 26011067). ClinVar contains an entry for this variant (Variation ID: 667285). Invitae Evidence Modeling of protein sequence and biophysical properties (such as structural, functional, and spatial information, amino acid conservation, physicochemical variation, residue mobility, and thermodynamic stability) indicates that this missense variant is expected to disrupt MYO7A protein function with a positive predictive value of 95%. In summary, the available evidence is currently insufficient to determine the role of this variant in disease. Therefore, it has been classified as a Variant of Uncertain Significance.

Blueprint Genetics
Classification: Uncertain significance. Last evaluated: 2024-07-11. Review status: criteria provided, single submitter. Criteria: ACMG Guidelines, 2015. Collection method: clinical testing. Allele origin: germline.

Laboratory for Molecular Medicine, Mass General Brigham Personalized Medicine
Classification: Uncertain significance. Last evaluated: 2019-02-28. Review status: criteria provided, single submitter. Criteria: LMM Criteria. Collection method: clinical testing. Allele origin: germline. Observed: 1 variant allele.
Comment: The p.Val1918Met variant has been identified in 0.001% (1/110230) of European chromosomes by gnomAD. Computational prediction tools and conservation analysis suggest that this variant may impact the protein, though this information is not predictive enough to determine pathogenicity. In summary, the clinical significance of this variant is uncertain. ACMG/AMP Criteria applied: PM2, PP3.

Natera, Inc.
Classification: Uncertain significance for Usher syndrome type 1B. Last evaluated: 2020-02-26. Review status: no assertion criteria provided. Collection method: clinical testing. Allele origin: germline. Not counted in ClinVar's aggregate classification.

Literature cited by the submitters: PubMed 26011067 (cited by Labcorp Genetics (formerly Invitae), Labcorp and Laboratory for Molecular Medicine, Mass General Brigham Personalized Medicine).

NM_000260.4(MYO7A):c.5752G>A (p.Val1918Met)

Gene: MYO7A (myosin VIIA; plus strand). Cytogenetic location: 11q13.5.
Variant type: single nucleotide variant.
Coding change: c.5752G>A on transcript NM_000260.4 (MANE Select); coding-DNA position 5752, G replaced by A.
Protein change: p.Val1918Met; replaces valine 1918 with methionine.
Molecular consequence: missense variant.
Genome position (GRCh38, 1-based): chr11:77,207,298, G>A. VCF-style: chr11-77207298-G-A. GRCh37 (hg19) VCF-style: chr11-76918343-G-A.
Other names: c.5638G>A, p.Val1880Met (NM_001127180.2); c.5605G>A, p.Val1869Met (NM_001369365.1); short protein forms V1918M, V1869M, V1880M.
Identifiers: ClinVar variation 667285 (VCV000667285.8), dbSNP rs958153438, ClinGen allele CA224854971.
Genomic context (GRCh38, chr11:77,207,298, plus strand): 5'-CAGGTCCCGGGAAAGGCCCTGCAGGAGCCCAGTGCTCACTGCCCCTCCCAGGCCTTCGAA[G>A]TGGAGTCCAGCACCAAGGCCAAGGACTTCTGCCAGAACATCGCCACCAGGCTGCTCCTCA-3'
Protein context (NP_000251.3, residues 1908-1928): FPDDTDEAFE[Val1918Met]ESSTKAKDFC